The following is an entry in ClinVar:

NM_016148.5(SHANK1):c.1327A>G (p.Met443Val)

Gene: SHANK1 (SH3 and multiple ankyrin repeat domains 1; minus strand). Cytogenetic location: 19q13.33.
Variant type: single nucleotide variant.
Coding change: c.1327A>G on transcript NM_016148.5 (MANE Select); coding-DNA position 1327, A replaced by G.
Protein change: p.Met443Val; replaces methionine 443 with valine.
Molecular consequence: missense variant.
Genome position (GRCh38, 1-based): chr19:50,703,726, T>C on the plus strand (A>G on the coding strand, the complement: SHANK1 is on the minus strand). VCF-style: chr19-50703726-T-C. GRCh37 (hg19) VCF-style: chr19-51206983-T-C.
Other names: short protein forms M443V.
Identifiers: ClinVar variation 1697054 (VCV001697054.2), dbSNP rs2123177352, ClinGen allele CA407035922.

ClinVar aggregate classification (germline): Uncertain significance (1 of 4 stars; one submission).

Submission:

GeneDx
Classification: Uncertain significance. Last evaluated: 2022-01-14. Review status: criteria provided, single submitter. Criteria: GeneDx Variant Classification Process June 2021. Collection method: clinical testing. Allele origin: germline. Affected: yes.
Comment: Not observed at significant frequency in large population cohorts (gnomAD); In silico analysis supports that this missense variant does not alter protein structure/function; Has not been previously published as pathogenic or benign to our knowledge